The following is an entry in ClinVar:

ClinVar aggregate classification (germline): Pathogenic (1 of 4 stars; one submission).

Submission:

Labcorp Genetics (formerly Invitae), Labcorp
Classification: Pathogenic. Last evaluated: 2025-11-13. Review status: criteria provided, single submitter. Criteria: Invitae Variant Classification Sherloc (09022015). Collection method: clinical testing. Allele origin: germline.
Comment: This sequence change creates a premature translational stop signal (p.Tyr6Leufs*36) in the PNPT1 gene. It is expected to result in an absent or disrupted protein product. Loss-of-function variants in PNPT1 are known to be pathogenic (PMID: 28594066, 30244537). This variant is not present in population databases (gnomAD no frequency). This variant has not been reported in the literature in individuals affected with PNPT1-related conditions. For these reasons, this variant has been classified as Pathogenic.

Literature cited by the submitters: PubMed 28594066; PubMed 30244537.

NM_033109.5(PNPT1):c.16dup (p.Tyr6fs)

Genes: PNPT1 (polyribonucleotide nucleotidyltransferase 1; minus strand), LOC129933771 (ATAC-STARR-seq lymphoblastoid active region 15786; plus strand). Cytogenetic location: 2p16.1.
Variant type: Duplication.
Coding change: c.16dup on transcript NM_033109.5 (MANE Select); coding-DNA position 16, one base duplicated (T; older notation c.16dupT).
Protein change: p.Tyr6fs; shifts the reading frame from tyrosine 6.
Molecular consequence: frameshift variant.
Genome position (GRCh38, 1-based): chr2:55,693,808, A duplicated on the plus strand (T on the coding strand, the reverse complement: PNPT1 is on the minus strand). VCF-style (leftmost placement, unchanged base first): chr2-55693807-T-TA. GRCh37 (hg19) VCF-style: chr2-55920942-T-TA.
Other names: short protein forms Y6fs.
Identifiers: ClinVar variation 4731151 (VCV004731151.1).